The following is an entry in ClinVar:

ClinVar aggregate classification (germline): Uncertain significance (1 of 4 stars; one submission).

Conditions:
Joubert syndrome 23 (JBTS23). Identifiers: Orphanet 475, MedGen C4084822, MONDO:0014664, OMIM 616490.
Short-rib thoracic dysplasia 14 with polydactyly (SRTD14). Identifiers: Orphanet 397715, MedGen C4225286, MONDO:0014688, OMIM 616546.

Submission:

Labcorp Genetics (formerly Invitae), Labcorp
Classification: Uncertain significance for Joubert syndrome 23; Short-rib thoracic dysplasia 14 with polydactyly. Last evaluated: 2022-05-03. Review status: criteria provided, single submitter. Criteria: Invitae Variant Classification Sherloc (09022015). Collection method: clinical testing. Allele origin: germline.
Comment: This sequence change replaces valine, which is neutral and non-polar, with leucine, which is neutral and non-polar, at codon 1129 of the KIAA0586 protein (p.Val1129Leu). This variant is not present in population databases (gnomAD no frequency). In summary, the available evidence is currently insufficient to determine the role of this variant in disease. Therefore, it has been classified as a Variant of Uncertain Significance. This variant has not been reported in the literature in individuals affected with KIAA0586-related conditions. Algorithms developed to predict the effect of missense changes on protein structure and function output the following: SIFT: "Tolerated"; PolyPhen-2: "Benign"; Align-GVGD: "Class C0". The leucine amino acid residue is found in multiple mammalian species, which suggests that this missense change does not adversely affect protein function.

NM_001329943.3(KIAA0586):c.3226G>T (p.Val1076Leu)

Gene: KIAA0586 (KIAA0586; plus strand). Cytogenetic location: 14q23.1.
Variant type: single nucleotide variant.
Coding change: c.3226G>T on transcript NM_001329943.3 (MANE Select); coding-DNA position 3226, G replaced by T.
Protein change: p.Val1076Leu; replaces valine 1076 with leucine.
Molecular consequence: missense variant.
Genome position (GRCh38, 1-based): chr14:58,487,088, G>T. VCF-style: chr14-58487088-G-T. GRCh37 (hg19) VCF-style: chr14-58953806-G-T.
Other names: c.3385G>T, p.Val1129Leu (NM_001244189.2); c.3181G>T, p.Val1061Leu (NM_001244190.2); c.2971G>T, p.Val991Leu (NM_001244191.2, NM_001329945.2, NM_001364700.1 and 1 more transcripts); c.3094G>T, p.Val1032Leu (NM_001244192.2); c.2806G>T, p.Val936Leu (NM_001244193.2); c.3226G>T, p.Val1076Leu (NM_001329944.2, NM_001329946.2, NM_001329947.2); c.2998G>T, p.Val1000Leu (NM_014749.5); short protein forms V1076L, V1032L, V1061L, V991L, V1129L, V1000L, V936L.
Identifiers: ClinVar variation 2133210 (VCV002133210.4), dbSNP rs2042506547, ClinGen allele CA389880904.
Genomic context (GRCh38, chr14:58,487,088, plus strand): 5'-CCTACCCCACAGCCTACGCCTCCTTGCTCACCTTCATCACCTGCTAAGGAGTGTGTTTTG[G>T]TAAAGACTCCAGATTCTTCTCCCTGTGATTCGGATCATGATATGGCTTTTCCTGTGAAAG-3'
Protein context (NP_001316872.1, residues 1066-1086): PSSPAKECVL[Val1076Leu]KTPDSSPCDS